The following is an entry in ClinVar:

NM_024685.4(BBS10):c.703A>T (p.Ile235Phe)

Gene: BBS10 (Bardet-Biedl syndrome 10; minus strand). Cytogenetic location: 12q21.2.
Variant type: single nucleotide variant.
Coding change: c.703A>T on transcript NM_024685.4 (MANE Select); coding-DNA position 703, A replaced by T.
Protein change: p.Ile235Phe; replaces isoleucine 235 with phenylalanine.
Molecular consequence: missense variant.
Genome position (GRCh38, 1-based): chr12:76,347,282, T>A on the plus strand (A>T on the coding strand, the complement: BBS10 is on the minus strand). VCF-style: chr12-76347282-T-A. GRCh37 (hg19) VCF-style: chr12-76741062-T-A.
Other names: short protein forms I235F.
Identifiers: ClinVar variation 3342286 (VCV003342286.1).

ClinVar aggregate classification (germline): Uncertain significance (1 of 4 stars; one submission).

Conditions:
Bardet-Biedl syndrome 10 (BBS10). Identifiers: Orphanet 110, MedGen C1859568, MONDO:0014438, OMIM 615987.

Submission:

MVZ Medizinische Genetik Mainz
Classification: Uncertain significance for Bardet-Biedl syndrome 10. Last evaluated: 2024-09-06. Review status: criteria provided, single submitter. Criteria: UK Practice Guidelines For Variant Classification V4 01 2020. Collection method: clinical testing. Allele origin: germline. Inheritance: Autosomal recessive inheritance. Affected: yes. Observed: 1 variant allele.
Comment: ACMG Criteria: PM2_SUP,PP4